The following is an entry in ClinVar:

ClinVar aggregate classification (germline): Pathogenic. Review status: criteria provided, multiple submitters, no conflicts (2 of 4 stars). 26 submissions from 24 submitters: Pathogenic (22). 4 of the submissions do not count toward it. Last evaluated 2026-08-04.

Conditions:
RAD51C-related cancer predisposition. Identifiers: MedGen CN377762, MONDO:0700273.
RAD51C-related disorder. Also called: RAD51C-related condition; RAD51C-related disorders.
Fanconi anemia complementation group O. Also called: RAD51C-Related Fanconi Anemia. Identifiers: Orphanet 84, MedGen C3150653, MONDO:0013248, OMIM 613390.
Breast-ovarian cancer, familial, susceptibility to, 3. Also called: RAD51C-Related Breast/Ovarian Cancer. Identifiers: Orphanet 145, MedGen C3150659, MONDO:0013253, OMIM 613399.
Hereditary cancer-predisposing syndrome. Also called: Tumor predisposition; Neoplastic Syndromes, Hereditary; Hereditary Cancer Syndrome; Hereditary neoplastic syndrome. Identifiers: Orphanet 140162, MedGen C0027672, MeSH D009386, MONDO:0015356.
Ovarian neoplasm. Also called: Ovarian tumor; Neoplasm of ovary; Ovarian Neoplasms. Identifiers: MedGen C0919267, MeSH D010051, MONDO:0021068, HP:0100615.
Hereditary breast ovarian cancer syndrome. Also called: Hereditary breast and ovarian cancer; Hereditary breast and ovarian cancer syndrome (HBOC); Breast and ovarian cancer; Hereditary breast and/or ovarian cancer syndrome; BRCA1- and BRCA2-Associated Hereditary Breast and Ovarian Cancer; Hereditary breast and ovarian cancer syndrome. Identifiers: Orphanet 145, MedGen C0677776, MeSH D061325, MONDO:0003582. Disease mechanism: loss of function.
Breast-ovarian cancer, familial, susceptibility to, 1 (BROVCA1). Also called: OVARIAN CANCER, SUSCEPTIBILITY TO; BRCA1 Hereditary Breast and Ovarian Cancer. Identifiers: Orphanet 145, MedGen C2676676, MONDO:0011450, OMIM 604370. Disease mechanism: loss of function.

Allele frequency attached by ClinVar (database versions not stated): gnomAD exomes 0.00001; TOPMed 0.00001; gnomAD 0.00002.

Submissions 1 to 9 of 26:

Institute of Human Genetics, University of Leipzig Medical Center
Classification: Pathogenic for Breast-ovarian cancer, familial, susceptibility to, 3. Last evaluated: 2026-08-04. Review status: criteria provided, single submitter. Criteria: ACMG Guidelines, 2015. Collection method: clinical testing. Allele origin: unknown. Inheritance: Autosomal dominant inheritance. Affected: yes.
Comment: Criteria applied: PVS1,PS4,PM2_SUP

St. Jude Molecular Pathology, St. Jude Children's Research Hospital
Classification: Pathogenic for Breast-ovarian cancer, familial, susceptibility to, 3. Last evaluated: 2026-02-11. Review status: criteria provided, single submitter. Criteria: St. Jude Assertion Criteria 2020. Collection method: clinical testing. Allele origin: germline.
Comment: The RAD51C c.224dup p.(Tyr75Ter) change duplicates one nucleotide to cause a frameshift and the creation of a premature stop codon. This change is predicted to cause protein truncation or absence of protein due to nonsense-mediated decay. This variant has been reported in individuals with ovarian and/or breast cancer (PMID: 20400964, 22006311, 26681312, 26720728, 26848151, 27230542, 29053726, 33471991). In summary, this variant meets criteria to be classified as pathogenic.

Labcorp Genetics (formerly Invitae), Labcorp
Classification: Pathogenic for Fanconi anemia complementation group O. Last evaluated: 2026-01-10. Review status: criteria provided, single submitter. Criteria: Invitae Variant Classification Sherloc (09022015). Collection method: clinical testing. Allele origin: germline.
Comment: This sequence change creates a premature translational stop signal (p.Tyr75*) in the RAD51C gene. It is expected to result in an absent or disrupted protein product. Loss-of-function variants in RAD51C are known to be pathogenic (PMID: 20400964, 21990120, 24800917, 29278735). This variant is present in population databases (rs730881939, gnomAD 0.003%). This premature translational stop signal has been observed in individual(s) with breast and ovarian cancer (PMID: 20400964, 22006311, 26681312, 26848151). This variant is also known as c.224insA, c.223_224insA, and 224_225insA. ClinVar contains an entry for this variant (Variation ID: 182844). For these reasons, this variant has been classified as Pathogenic.

Institute for Genomic Medicine (IGM) Clinical Laboratory, Nationwide Children's Hospital
Classification: Pathogenic for RAD51C-related cancer predisposition. Last evaluated: 2025-08-27. Review status: criteria provided, single submitter. Criteria: ACMG Guidelines, 2015. Collection method: clinical testing. Allele origin: germline.
Comment: This variant is predicted to result in loss of function through nonsense-mediated decay of the encoded transcript or premature truncation of the encoded protein in a gene in which loss of function is a known mechanism of disease (ACMG/AMP: PVS1). This variant has been reported at an elevated frequency in affected individuals/in multiple affected individuals in the literature (ACMG/AMP: PS4; PMIDs:35658948, 32854451, 32359370, 26848151, 26720728, 26681312, 24993905, 24240112, 21990120, 22006311).

PreventionGenetics, part of Exact Sciences
Classification: Pathogenic for RAD51C-related condition. Last evaluated: 2025-05-05. Review status: criteria provided, single submitter. Criteria: ACMG Guidelines, 2015. Collection method: clinical testing. Allele origin: germline.
Comment: The RAD51C c.224dupA variant is predicted to result in premature protein termination (p.Tyr75*). This variant has been reported in the heterozygous state in individuals with ovarian cancer (Meindl et al. 2010. PubMed ID: 20400964; Harter et al. 2017. PubMed ID: 29053726), breast cancer (Rashid et al. 2014. PubMed ID: 24800917; Villalona-Calero et al. 2016. PubMed ID: 26848151, and pancreatic cancer (Hu et al. 2018. PubMed ID: 29922827). This variant is reported in 0.0026% of alleles in individuals of European (Non-Finnish) descent in gnomAD and is interpreted as pathogenic in ClinVar. Nonsense variants in RAD51C are expected to be pathogenic. This variant is interpreted as pathogenic.

Institute of Human Genetics, University of Leipzig Medical Center
Classification: Pathogenic for Breast-ovarian cancer, familial, susceptibility to, 1. Last evaluated: 2024-11-19. Review status: criteria provided, single submitter. Criteria: ACMG Guidelines, 2015. Collection method: clinical testing. Allele origin: unknown. Inheritance: Autosomal dominant inheritance. Affected: yes.
Comment: the same text as in the submission from Institute of Human Genetics, University of Leipzig Medical Center above.

Ambry Genetics
Classification: Pathogenic for Hereditary cancer-predisposing syndrome. Last evaluated: 2024-08-12. Review status: criteria provided, single submitter. Criteria: Ambry Variant Classification Scheme 2023. Collection method: clinical testing. Allele origin: germline.
Comment: The c.224dupA pathogenic mutation, located in coding exon 2 of the RAD51C gene, results from a duplication of A at nucleotide position 224, causing a translational frameshift with a predicted alternate stop codon (p.Y75*). This mutation has been reported in multiple individuals with breast or ovarian cancer, including individuals who also had a family history of breast and/or ovarian cancer (Meindl A et al. Nat Genet, 2010 May;42:410-4; Walsh T et al. Proc Natl Acad Sci U S A, 2011 Nov;108:18032-7; Wolf C et al. Nat Commun, 2016 May;7:11752; Norquist BM et al. JAMA Oncol, 2016 Apr;2:482-90; Susswein LR et al. Genet Med, 2016 08;18:823-32; Villalona-Calero MA et al. J Natl Cancer Inst, 2016 Jul;108; Harter P et al. PLoS One, 2017 Oct;12:e0186043; Hauke J et al. Cancer Med, 2018 04;7:1349-1358; Weber-Lassalle K et al. Hum Mutat, 2018 12;39:2040-2046; Suszynska M et al. J Ovarian Res, 2020 May;13:50; Fanale D et al. Cancers (Basel), 2020 Aug;12; Dorling et al. N Engl J Med. 2021 02;384:428-439). In a cohort of 3030 pancreatic cancer patients undergoing multigene panel testing, this variant was seen in two cases (Hu C et al. JAMA. 2018 06;319:2401-2409). This alteration has also been reported in a patient with acute myeloid leukemia from a cohort of 4034 cancer cases from The Cancer Genome Atlas (Lu C et al. Nat Commun. 2015 Dec 22;6:10086). In addition to the clinical data presented in the literature, this alteration is expected to result in loss of function by premature protein truncation or nonsense-mediated mRNA decay. As such, this alteration is interpreted as a disease-causing mutation.

Department of Human Genetics, Hannover Medical School
Classification: Pathogenic for Breast-ovarian cancer, familial, susceptibility to, 3. Last evaluated: 2024-06-20. Review status: criteria provided, single submitter. Criteria: ACMG Guidelines, 2015. Collection method: clinical testing. Allele origin: germline. Inheritance: Autosomal dominant inheritance.

Rady Children's Institute for Genomic Medicine, Rady Children's Hospital San Diego
Classification: Pathogenic for RAD51C-Related Disorders. Last evaluated: 2024-04-26. Review status: criteria provided, single submitter. Criteria: ACMG Guidelines, 2015. Collection method: clinical testing. Allele origin: germline. Affected: yes.
Comment: This nonsense variant found in exon 2 of 9 is predicted to result in loss of normal protein function through either protein truncation or nonsense-mediated mRNA decay. Loss-of-function variation in RAD51C is an established mechanism of disease (PMID: 30949688, 20400964, 21990120, 24800917). This variant has been previously reported as a heterozygous change in patients with RAD51C-related cancers (PMID: 20400964, 26689913, 26848151, 29053726, 29922827, 36451132, 36493725). Loss-of-function variation in the same amino acid residue c.225T>G (p.Tyr75Ter) has been previously reported in an individual with breast cancer (PMID: 24800917). The c.224dup (p.Tyr75Ter) variant is present in the heterozygous state in the gnomAD v4 population database at a frequency of 0.0007% (12/1613980) and thus is presumed to be rare. Based on the available evidence, c.224dup (p.Tyr75Ter) is classified as Pathogenic.

NM_058216.3(RAD51C):c.224dup (p.Tyr75Ter)

Gene: RAD51C (RAD51 paralog C; plus strand). Cytogenetic location: 17q22.
Variant type: Duplication.
Coding change: c.224dup on transcript NM_058216.3 (MANE Select); coding-DNA position 224, one base duplicated (A; older notation c.224dupA).
Protein change: p.Tyr75Ter; replaces tyrosine 75 with a stop codon.
Molecular consequence: nonsense. On other transcripts: non-coding transcript variant (2).
Genome position (GRCh38, 1-based): chr17:58,695,009, A duplicated. VCF-style (leftmost placement, unchanged base first): chr17-58695008-T-TA. GRCh37 (hg19) VCF-style: chr17-56772369-T-TA.
Other names: p.Y75X:TAT>TAA; c.224dupA (NM_058216.1, NM_058216.3); c.224dup, p.Tyr75Ter (NM_002876.4); short protein forms Y75*.
Identifiers: ClinVar variation 182844 (VCV000182844.91), dbSNP rs730881939, ClinGen allele CA333752.